The following is an entry in ClinVar:

ClinVar aggregate classification (germline): Benign. Review status: criteria provided, multiple submitters, no conflicts (2 of 4 stars). 3 submissions from 3 submitters: Benign (2). 1 of the submissions does not count toward it. Last evaluated 2018-04-30.

Conditions:
GAPVD1-related disorder. Also called: GAPVD1-related condition.

Allele frequency attached by ClinVar (database versions not stated): gnomAD 0.00477 and 0.00514; gnomAD exomes 0.00487 and 0.00568; 1000 Genomes Project 0.00160; 1000 Genomes Project 30x 0.00187; TOPMed 0.00335; ESP Exome Variant Server 0.00431; ExAC 0.00470.
gnomAD v4.1: 8,911 of 1,609,820 alleles (0.55%); highest among the groups gnomAD compares: Non-Finnish European, 0.62%; 35 homozygotes.

Submissions (6):

Labcorp Genetics (formerly Invitae), Labcorp
Classification: Benign. Last evaluated: 2018-04-30. Review status: criteria provided, single submitter. Criteria: Invitae Variant Classification Sherloc (09022015). Collection method: clinical testing. Allele origin: germline.

Breakthrough Genomics
Classification: Benign. Review status: criteria provided, single submitter. Criteria: ACMG Guidelines, 2015. Collection method: not provided. Allele origin: germline. Inheritance: Unknown mechanism. Affected: yes.

PreventionGenetics, part of Exact Sciences
Classification: Benign for GAPVD1-related condition. Last evaluated: 2022-02-03. Review status: no assertion criteria provided. Collection method: clinical testing. Allele origin: germline. Not counted in ClinVar's aggregate classification.
Comment: This variant is classified as benign based on ACMG/AMP sequence variant interpretation guidelines (Richards et al. 2015 PMID: 25741868, with internal and published modifications).

Dr. Peter K. Rogan Lab, Western University
No classification provided (evidence only). Condition: Acute myeloid leukemia. Review status: no classification provided. Collection method: in vitro. Allele origin: not applicable. Functional consequence: retained intron. Not counted in ClinVar's aggregate classification.

Dr. Peter K. Rogan Lab, Western University
No classification provided (evidence only). Condition: Gastric cancer. Review status: no classification provided. Collection method: in vitro. Allele origin: not applicable. Functional consequence: retained intron. Not counted in ClinVar's aggregate classification.

Dr. Peter K. Rogan Lab, Western University
No classification provided (evidence only). Condition: Malignant tumor of esophagus. Review status: no classification provided. Collection method: in vitro. Allele origin: not applicable. Functional consequence: retained intron. Not counted in ClinVar's aggregate classification.

NM_001282680.3(GAPVD1):c.1858+10A>G

Gene: GAPVD1 (GTPase activating protein and VPS9 domains 1; plus strand). Cytogenetic location: 9q33.3.
Variant type: single nucleotide variant.
Coding change: c.1858+10A>G on transcript NM_001282680.3 (MANE Select); 10 bases into the intron after coding-DNA position 1858, A replaced by G.
Molecular consequence: intron variant.
Genome position (GRCh38, 1-based): chr9:125,323,933, A>G. VCF-style: chr9-125323933-A-G. GRCh37 (hg19) VCF-style: chr9-128086212-A-G.
Other names: NC_000009.11:g.128086212A>G; c.1858+10A>G (NM_001354296.2, NM_001354301.2, NM_001354299.2 and 6 more transcripts); c.1795+10A>G (NM_001354297.2, NM_001354300.2, NM_001330777.3 and 1 more transcripts).
Identifiers: ClinVar variation 722437 (VCV000722437.7), dbSNP rs41305469, ClinGen allele CA5240280.